The following is an entry in ClinVar:

ClinVar aggregate classification (germline): Uncertain significance (1 of 4 stars; one submission).

Allele frequency attached by ClinVar (database versions not stated): gnomAD exomes below 0.00001.
gnomAD v4.1: 4 of 1,614,032 alleles (0.00025%); highest among the groups gnomAD compares: Non-Finnish European, 0.00034%; no homozygotes.

Submission:

Genetic Services Laboratory, University of Chicago
Classification: Uncertain significance. Last evaluated: 2021-11-19. Review status: criteria provided, single submitter. Criteria: ACMG Guidelines, 2015. Collection method: clinical testing. Allele origin: germline. Affected: no.
Comment: DNA sequence analysis of the CENPF gene demonstrated a sequence change, c.945T>G, in exon 7 that results in an amino acid change, p.Phe315Leu. This sequence change does not appear to have been previously described in individuals with CENPF-related disorders and has also not been described in population databases such as ExAC and gnomAD. The p.Phe315Leu change affects a moderately conserved amino acid residue located in a domain of the CENPF protein that is not known to be functional. The p.Phe315Leu substitution appears to be benign using several in-silico pathogenicity prediction tools (SIFT, PolyPhen2, Align GVGD, REVEL). Due to insufficient evidence and the lack of functional studies, the clinical significance of the p.Phe315Leu change remains unknown at this time.

NM_016343.4(CENPF):c.945T>G (p.Phe315Leu)

Gene: CENPF (centromere protein F; plus strand). Cytogenetic location: 1q41.
Variant type: single nucleotide variant.
Coding change: c.945T>G on transcript NM_016343.4 (MANE Select); coding-DNA position 945, T replaced by G.
Protein change: p.Phe315Leu; replaces phenylalanine 315 with leucine.
Molecular consequence: missense variant.
Genome position (GRCh38, 1-based): chr1:214,622,158, T>G. VCF-style: chr1-214622158-T-G. GRCh37 (hg19) VCF-style: chr1-214795501-T-G.
Other names: short protein forms F315L.
Identifiers: ClinVar variation 1338138 (VCV001338138.4), dbSNP rs1657523717, ClinGen allele CA344832929.